The following is an entry in ClinVar:

ClinVar aggregate classification (germline): Benign/Likely benign. Review status: criteria provided, multiple submitters, no conflicts (2 of 4 stars). 5 submissions from 5 submitters: Benign (2); Likely benign (3). Last evaluated 2025-12-15.

Conditions:
COL2A1-related disorder. Also called: COL2A1-related condition; COL2A1-related disorders.

Allele frequency attached by ClinVar (database versions not stated): gnomAD below 0.00001 and 0.00011; 1000 Genomes Project 30x 0.00031; gnomAD exomes 0.00035 and 0.00018; ExAC 0.00044; TOPMed 0.00001.
gnomAD v4.1: 282 of 1,614,126 alleles (0.017%); highest among the groups gnomAD compares: South Asian, 0.29%; 2 homozygotes.

Submissions (5):

PreventionGenetics, part of Exact Sciences
Classification: Likely benign for COL2A1-related condition. Last evaluated: 2025-12-15. Review status: criteria provided, single submitter. Criteria: ACMG Guidelines, 2015. Collection method: clinical testing. Allele origin: germline.
Comment: This variant is classified as likely benign based on ACMG/AMP sequence variant interpretation guidelines (Richards et al. 2015 PMID: 25741868, with internal and published modifications).

Labcorp Genetics (formerly Invitae), Labcorp
Classification: Benign. Last evaluated: 2025-11-13. Review status: criteria provided, single submitter. Criteria: Invitae Variant Classification Sherloc (09022015). Collection method: clinical testing. Allele origin: germline.

ARUP Laboratories, Molecular Genetics and Genomics, ARUP Laboratories
Classification: Benign. Last evaluated: 2025-01-29. Review status: criteria provided, single submitter. Criteria: ARUP Molecular Germline Variant Investigation Process 2024. Collection method: clinical testing. Allele origin: germline.

Blueprint Genetics
Classification: Likely benign. Last evaluated: 2024-10-02. Review status: criteria provided, single submitter. Criteria: ACMG Guidelines, 2015. Collection method: clinical testing. Allele origin: germline.

GeneDx
Classification: Likely benign. Last evaluated: 2018-04-06. Review status: criteria provided, single submitter. Criteria: GeneDx Variant Classification Process June 2021. Collection method: clinical testing. Allele origin: germline. Affected: yes.

NM_001844.5(COL2A1):c.3561T>G (p.Pro1187=)

Gene: COL2A1 (collagen type II alpha 1 chain; minus strand). Cytogenetic location: 12q13.11.
Variant type: single nucleotide variant.
Coding change: c.3561T>G on transcript NM_001844.5 (MANE Select); coding-DNA position 3561, T replaced by G.
Protein change: p.Pro1187=; no amino-acid change (proline 1187 retained).
Molecular consequence: synonymous variant.
Genome position (GRCh38, 1-based): chr12:47,975,999, A>C on the plus strand (T>G on the coding strand, the complement: COL2A1 is on the minus strand). VCF-style: chr12-47975999-A-C. GRCh37 (hg19) VCF-style: chr12-48369782-A-C.
Other names: c.3354T>G, p.Pro1118= (NM_033150.3).
Identifiers: ClinVar variation 308910 (VCV000308910.18), dbSNP rs536885536, ClinGen allele CA6534708.